The following is an entry in ClinVar:

NC_000018.10:g.31103416C>G

Genes: DSC2 (desmocollin 2; minus strand), DSCAS (DSC1/DSC2 antisense RNA; plus strand). Cytogenetic location: 18q12.1.
Variant type: single nucleotide variant.
Genome position: GRCh38 VCF-style: chr18-31103416-C-G. GRCh37 (hg19) VCF-style: chr18-28683379-C-G.
Identifiers: ClinVar variation 1170604 (VCV001170604.39), dbSNP rs75494355, ClinGen allele CA297653604.
Genomic context (GRCh38, chr18:31,103,416, plus strand): 5'-AGAATTACTGCAATACTGAGTGTATATTTAAATTAAAAATTAATGTCAAACAGCGCATGC[C>G]TTACATTCTCTGTGTCTGTGCTATGCTCATGCCCTATTTTATTAACGAATGCCACTAATG-3'

ClinVar aggregate classification (germline): Benign/Likely benign. Review status: criteria provided, multiple submitters, no conflicts (2 of 4 stars). 5 submissions from 5 submitters: Benign (2); Likely benign (2). 1 of the submissions does not count toward it. Last evaluated 2026-06-01.

Conditions:
DSC2-related disorder. Also called: DSC2-related condition.
Arrhythmogenic right ventricular dysplasia 11. Also called: Arrhythmogenic Right Ventricular Dysplasia/Cardiomyopathy11; ARRHYTHMOGENIC RIGHT VENTRICULAR DYSPLASIA, FAMILIAL, 11; Arrhythmogenic right ventricular dysplasia 11 with mild palmoplantar keratoderma and woolly hair. Identifiers: MedGen C1864850, MONDO:0012506, OMIM 610476.

Allele frequency attached by ClinVar (database versions not stated): gnomAD 0.00480 and 0.00512; TOPMed 0.00517; 1000 Genomes Project 0.00719; 1000 Genomes Project 30x 0.00796.

Submissions (5):

CeGaT Center for Human Genetics Tuebingen
Classification: Benign. Last evaluated: 2026-06-01. Review status: criteria provided, single submitter. Criteria: CeGaT Center For Human Genetics Tuebingen Variant Classification Criteria Version 2. Collection method: clinical testing. Allele origin: germline. Affected: yes. Observed: 29 variant alleles.
Comment: DSC2: BS1, BS2

ARUP Laboratories, Molecular Genetics and Genomics, ARUP Laboratories
Classification: Likely benign. Last evaluated: 2025-05-14. Review status: criteria provided, single submitter. Criteria: ARUP Molecular Germline Variant Investigation Process 2024. Collection method: clinical testing. Allele origin: germline.

Labcorp Genetics (formerly Invitae), Labcorp
Classification: Benign for Arrhythmogenic right ventricular dysplasia 11. Last evaluated: 2025-01-27. Review status: criteria provided, single submitter. Criteria: Invitae Variant Classification Sherloc (09022015). Collection method: clinical testing. Allele origin: germline.

Blueprint Genetics
Classification: Likely benign. Last evaluated: 2024-11-25. Review status: criteria provided, single submitter. Criteria: ACMG Guidelines, 2015. Collection method: clinical testing. Allele origin: germline.

PreventionGenetics, part of Exact Sciences
Classification: Likely benign for DSC2-related condition. Last evaluated: 2023-04-11. Review status: no assertion criteria provided. Collection method: clinical testing. Allele origin: germline. Not counted in ClinVar's aggregate classification.
Comment: This variant is classified as likely benign based on ACMG/AMP sequence variant interpretation guidelines (Richards et al. 2015 PMID: 25741868, with internal and published modifications).